The following is an entry in ClinVar:

NM_002294.3(LAMP2):c.806C>T (p.Thr269Ile)

Gene: LAMP2 (lysosome associated membrane protein 2; minus strand). Cytogenetic location: Xq24.
Variant type: single nucleotide variant.
Coding change: c.806C>T on transcript NM_002294.3 (MANE Select); coding-DNA position 806, C replaced by T.
Protein change: p.Thr269Ile; replaces threonine 269 with isoleucine.
Molecular consequence: missense variant.
Genome position (GRCh38, 1-based): chrX:120,446,363, G>A on the plus strand (C>T on the coding strand, the complement: LAMP2 is on the minus strand). VCF-style: chrX-120446363-G-A. GRCh37 (hg19) VCF-style: chrX-119580218-G-A.
Other names: c.806C>T, p.Thr269Ile (NM_001122606.1, NM_013995.2); short protein forms T269I.
Identifiers: ClinVar variation 3706292 (VCV003706292.2).

ClinVar aggregate classification (germline): Uncertain significance (1 of 4 stars; one submission).

Conditions:
Danon disease. Also called: Glycogen Storage Disease Type IIb; ANTOPOL DISEASE; PSEUDOGLYCOGENOSIS II; GSD IIb; LYSOSOMAL GLYCOGEN STORAGE DISEASE WITHOUT ACID MALTASE DEFICIENCY. Identifiers: Orphanet 34587, MedGen C0878677, MONDO:0010281, OMIM 300257.

Submission:

Labcorp Genetics (formerly Invitae), Labcorp
Classification: Uncertain significance for Danon disease. Last evaluated: 2024-12-24. Review status: criteria provided, single submitter. Criteria: Invitae Variant Classification Sherloc (09022015). Collection method: clinical testing. Allele origin: germline.
Comment: This sequence change replaces threonine, which is neutral and polar, with isoleucine, which is neutral and non-polar, at codon 269 of the LAMP2 protein (p.Thr269Ile). This variant is not present in population databases (gnomAD no frequency). This variant has not been reported in the literature in individuals affected with LAMP2-related conditions. Invitae Evidence Modeling of protein sequence and biophysical properties (such as structural, functional, and spatial information, amino acid conservation, physicochemical variation, residue mobility, and thermodynamic stability) indicates that this missense variant is not expected to disrupt LAMP2 protein function with a negative predictive value of 80%. In summary, the available evidence is currently insufficient to determine the role of this variant in disease. Therefore, it has been classified as a Variant of Uncertain Significance.